The following is an entry in ClinVar:

NM_005141.5(FGB):c.*918C>G

Gene: FGB (fibrinogen beta chain; plus strand). Cytogenetic location: 4q31.3.
Variant type: single nucleotide variant.
Coding change: c.*918C>G on transcript NM_005141.5 (MANE Select); 918 bases downstream of the stop codon, C replaced by G.
Molecular consequence: 3 prime UTR variant.
Genome position (GRCh38, 1-based): chr4:154,571,568, C>G. VCF-style: chr4-154571568-C-G. GRCh37 (hg19) VCF-style: chr4-155492720-C-G.
Other names: c.*918C>G (NM_001382759.1, NM_001382760.1, NM_001184741.1 and 3 more transcripts); c.*1059C>G (NM_001382761.1); c.*1168C>G (NM_001382764.1).
Identifiers: ClinVar variation 347791 (VCV000347791.5), dbSNP rs2227424, ClinGen allele CA10620257.

ClinVar aggregate classification (germline): Benign (1 of 4 stars; one submission).

Conditions:
Congenital afibrinogenemia. Identifiers: Orphanet 335, Orphanet 98880, MedGen C2584774, MONDO:0008737, OMIM 202400.

Allele frequency attached by ClinVar (database versions not stated): 1000 Genomes Project 30x 0.13195; 1000 Genomes Project 0.13778; TOPMed 0.13874.
gnomAD v4.1: 21,580 of 151,958 alleles (14%); highest among the groups gnomAD compares: East Asian, 22%; 1,880 homozygotes.

Submission:

Illumina Laboratory Services, Illumina
Classification: Benign for Congenital afibrinogenemia. Last evaluated: 2018-01-13. Review status: criteria provided, single submitter. Criteria: ICSL Variant Classification Criteria 13 December 2019. Collection method: clinical testing. Allele origin: germline.
Comment: This variant was observed in the ICSL laboratory as part of a predisposition screen in an ostensibly healthy population. It had not been previously curated by ICSL or reported in the Human Gene Mutation Database (HGMD: prior to June 1st, 2018), and was therefore a candidate for classification through an automated scoring system. Utilizing variant allele frequency, disease prevalence and penetrance estimates, and inheritance mode, an automated score was calculated to assess if this variant is too frequent to cause the disease. Based on the score and internal cut-off values, a variant classified as benign is not then subjected to further curation. The score for this variant resulted in a classification of benign for this disease.